The following is an entry in ClinVar:

NC_000017.11:g.(?_48726790)_(48728593_?)del

Gene: HOXB13 (homeobox B13; minus strand). Cytogenetic location: 17q21.32.
Variant type: Deletion.
Identifiers: ClinVar variation 830881 (VCV000830881.3).

ClinVar aggregate classification (germline): Uncertain significance (1 of 4 stars; one submission).

Submission:

Labcorp Genetics (formerly Invitae), Labcorp
Classification: Uncertain significance. Last evaluated: 2023-10-23. Review status: criteria provided, single submitter. Criteria: Invitae Variant Classification Sherloc (09022015). Collection method: clinical testing. Allele origin: germline.
Comment: A gross deletion of the genomic region encompassing the full coding sequence of the HOXB13 gene has been identified. The current clinical and genetic evidence is not sufficient to establish whether loss-of-function variants in HOXB13 cause disease. The boundaries of this event are unknown as they extend beyond the assayed region for this gene and therefore may encompass additional genes. This variant has not been reported in the literature in individuals affected with HOXB13-related conditions. In summary, the available evidence is currently insufficient to determine the role of this variant in disease. Therefore, it has been classified as a Variant of Uncertain Significance.